The following is an entry in ClinVar:

ClinVar aggregate classification (germline): Uncertain significance. Review status: criteria provided, multiple submitters, no conflicts (2 of 4 stars). 2 submissions from 2 submitters: Uncertain significance (2). Last evaluated 2022-11-17.

Conditions:
Beckwith-Wiedemann syndrome (BWS). Also called: EMG SYNDROME; Exomphalos macroglossia gigantism syndrome. Identifiers: Orphanet 116, MedGen C0004903, MONDO:0007534, OMIM 130650.

Submissions (2):

Labcorp Genetics (formerly Invitae), Labcorp
Classification: Uncertain significance for Beckwith-Wiedemann syndrome. Last evaluated: 2022-11-17. Review status: criteria provided, single submitter. Criteria: Invitae Variant Classification Sherloc (09022015). Collection method: clinical testing. Allele origin: germline.
Comment: This variant has not been reported in the literature in individuals affected with CDKN1C-related conditions. In summary, the available evidence is currently insufficient to determine the role of this variant in disease. Therefore, it has been classified as a Variant of Uncertain Significance. Advanced modeling of protein sequence and biophysical properties (such as structural, functional, and spatial information, amino acid conservation, physicochemical variation, residue mobility, and thermodynamic stability) performed at Invitae indicates that this missense variant is not expected to disrupt CDKN1C protein function. This variant is not present in population databases (gnomAD no frequency). This sequence change replaces proline, which is neutral and non-polar, with alanine, which is neutral and non-polar, at codon 214 of the CDKN1C protein (p.Pro214Ala).

Blueprint Genetics
Classification: Uncertain significance. Last evaluated: 2019-05-21. Review status: criteria provided, single submitter. Criteria: ACMG Guidelines, 2015. Collection method: clinical testing. Allele origin: germline.

NM_001122630.2(CDKN1C):c.607C>G (p.Pro203Ala)

Gene: CDKN1C (cyclin dependent kinase inhibitor 1C; minus strand). Cytogenetic location: 11p15.4.
Variant type: single nucleotide variant.
Coding change: c.607C>G on transcript NM_001122630.2 (MANE Select); coding-DNA position 607, C replaced by G.
Protein change: p.Pro203Ala; replaces proline 203 with alanine.
Molecular consequence: missense variant. On other transcripts: intron variant (1).
Genome position (GRCh38, 1-based): chr11:2,884,850, G>C on the plus strand (C>G on the coding strand, the complement: CDKN1C is on the minus strand). VCF-style: chr11-2884850-G-C. GRCh37 (hg19) VCF-style: chr11-2906080-G-C.
Other names: c.640C>G, p.Pro214Ala (NM_000076.2, NM_001362474.2); c.607C>G, p.Pro203Ala (NM_001122631.2); c.255+352C>G (NM_001362475.2); short protein forms P214A, P203A.
Identifiers: ClinVar variation 2814967 (VCV002814967.4), dbSNP rs562237921, ClinGen allele CA379146147.